The following is an entry in ClinVar:

ClinVar aggregate classification (germline): Uncertain significance (1 of 4 stars; one submission).

Conditions:
Alpha-methylacyl-CoA racemase deficiency (AMACRD). Also called: AMACR deficiency. Identifiers: Orphanet 79095, MedGen C3280428, MONDO:0013681, OMIM 614307. Disease mechanism: loss of function.

gnomAD v4.1: 1 of 1,614,234 alleles (0.000062%); no homozygotes.

Submission:

Labcorp Genetics (formerly Invitae), Labcorp
Classification: Uncertain significance for Alpha-methylacyl-CoA racemase deficiency. Last evaluated: 2025-12-01. Review status: criteria provided, single submitter. Criteria: Invitae Variant Classification Sherloc (09022015). Collection method: clinical testing. Allele origin: germline.
Comment: This sequence change replaces glutamic acid, which is acidic and polar, with lysine, which is basic and polar, at codon 141 of the AMACR protein (p.Glu141Lys). This variant is not present in population databases (gnomAD no frequency). This variant has not been reported in the literature in individuals affected with AMACR-related conditions. ClinVar contains an entry for this variant (Variation ID: 1347747). Invitae Evidence Modeling of protein sequence and biophysical properties (such as structural, functional, and spatial information, amino acid conservation, physicochemical variation, residue mobility, and thermodynamic stability) indicates that this missense variant is not expected to disrupt AMACR protein function with a negative predictive value of 80%. In summary, the available evidence is currently insufficient to determine the role of this variant in disease. Therefore, it has been classified as a Variant of Uncertain Significance.

NM_014324.6(AMACR):c.421G>A (p.Glu141Lys)

Genes: AMACR (alpha-methylacyl-CoA racemase; minus strand), C1QTNF3-AMACR (C1QTNF3-AMACR readthrough (NMD candidate); minus strand). Cytogenetic location: 5p13.2.
Variant type: single nucleotide variant.
Coding change: c.421G>A on transcript NM_014324.6 (MANE Select); coding-DNA position 421, G replaced by A.
Protein change: p.Glu141Lys; replaces glutamic acid 141 with lysine.
Molecular consequence: missense variant. On other transcripts: intron variant (1).
Genome position (GRCh38, 1-based): chr5:34,004,705, C>T on the plus strand (G>A on the coding strand, the complement: AMACR is on the minus strand). VCF-style: chr5-34004705-C-T. GRCh37 (hg19) VCF-style: chr5-34004810-C-T.
Other names: c.421G>A, p.Glu141Lys (NM_001167595.2); c.391+1051G>A (NM_203382.3); short protein forms E141K.
Identifiers: ClinVar variation 1347747 (VCV001347747.8), dbSNP rs2112070061, ClinGen allele CA359383408.